The following is an entry in ClinVar:

NM_001701.4(BAAT):c.350A>G (p.Lys117Arg)

Gene: BAAT (bile acid-CoA:amino acid N-acyltransferase; minus strand). Cytogenetic location: 9q31.1.
Variant type: single nucleotide variant.
Coding change: c.350A>G on transcript NM_001701.4 (MANE Select); coding-DNA position 350, A replaced by G.
Protein change: p.Lys117Arg; replaces lysine 117 with arginine.
Molecular consequence: missense variant.
Genome position (GRCh38, 1-based): chr9:101,371,055, T>C on the plus strand (A>G on the coding strand, the complement: BAAT is on the minus strand). VCF-style: chr9-101371055-T-C. GRCh37 (hg19) VCF-style: chr9-104133337-T-C.
Other names: p.Lys117Arg; c.350A>G, p.Lys117Arg (NM_001127610.2, NM_001374715.1); short protein forms K117R.
Identifiers: ClinVar variation 364280 (VCV000364280.16), dbSNP rs115215226, ClinGen allele CA5160740.

ClinVar aggregate classification (germline): Benign. Review status: criteria provided, multiple submitters, no conflicts (2 of 4 stars). 5 submissions from 5 submitters: Benign (5). Last evaluated 2026-01-12.

Conditions:
Hypercholanemia, familial 1 (FHCA1). Identifiers: Orphanet 238475, MedGen C5542604, MONDO:0031446, OMIM 607748.

Allele frequency attached by ClinVar (database versions not stated): gnomAD exomes 0.00104 and 0.00284; ExAC 0.00359; gnomAD 0.01084 and 0.01157; TOPMed 0.01178; ESP Exome Variant Server 0.01315; 1000 Genomes Project 0.01438; 1000 Genomes Project 30x 0.01515.
gnomAD v4.1: 3,244 of 1,613,972 alleles (0.2%); highest among the groups gnomAD compares: African/African-American, 3.9%; 76 homozygotes.

Submissions (5):

Labcorp Genetics (formerly Invitae), Labcorp
Classification: Benign. Last evaluated: 2026-01-12. Review status: criteria provided, single submitter. Criteria: Invitae Variant Classification Sherloc (09022015). Collection method: clinical testing. Allele origin: germline.

Center for Genomic Medicine, Rigshospitalet, Copenhagen University Hospital
Classification: Benign. Last evaluated: 2025-03-04. Review status: criteria provided, single submitter. Criteria: ACMG Guidelines, 2015. Collection method: clinical testing. Allele origin: germline.

Mayo Clinic Laboratories, Mayo Clinic
Classification: Benign. Last evaluated: 2022-04-20. Review status: criteria provided, single submitter. Criteria: ACMG Guidelines, 2015. Collection method: clinical testing. Allele origin: germline. Observed: 11 variant alleles.
Comment: BA1, BP4

Illumina Laboratory Services, Illumina
Classification: Benign for Hypercholanemia, familial 1. Last evaluated: 2018-01-13. Review status: criteria provided, single submitter. Criteria: ICSL Variant Classification Criteria 13 December 2019. Collection method: clinical testing. Allele origin: germline.
Comment: This variant was observed in the ICSL laboratory as part of a predisposition screen in an ostensibly healthy population. It had not been previously curated by ICSL or reported in the Human Gene Mutation Database (HGMD: prior to June 1st, 2018), and was therefore a candidate for classification through an automated scoring system. Utilizing variant allele frequency, disease prevalence and penetrance estimates, and inheritance mode, an automated score was calculated to assess if this variant is too frequent to cause the disease. Based on the score and internal cut-off values, a variant classified as benign is not then subjected to further curation. The score for this variant resulted in a classification of benign for this disease.

Breakthrough Genomics
Classification: Benign. Review status: criteria provided, single submitter. Criteria: ACMG Guidelines, 2015. Collection method: not provided. Allele origin: germline. Inheritance: Autosomal recessive inheritance. Affected: yes.